The following is an entry in ClinVar:

ClinVar aggregate classification (germline): Likely pathogenic (1 of 4 stars; one submission).

Conditions:
Trimethylaminuria (TMAU). Also called: FISH-ODOR SYNDROME; Primary Trimethylaminuria; Fish malodor syndrome; Stale fish syndrome; TMAuria. Identifiers: MedGen C0342739, MONDO:0011182, OMIM 602079, HP:0003614. Disease mechanism: loss of function.

gnomAD v4.1: 10 of 1,613,862 alleles (0.00062%); highest among the groups gnomAD compares: Admixed American, 0.0033%; no homozygotes.

Submission:

Women's Health and Genetics/Laboratory Corporation of America, LabCorp
Classification: Likely pathogenic for Trimethylaminuria. Last evaluated: 2024-08-28. Review status: criteria provided, single submitter. Criteria: LabCorp Variant Classification Summary - May 2015. Collection method: clinical testing. Allele origin: germline.
Comment: Variant summary: FMO3 c.419T>C (p.Phe140Ser) results in a non-conservative amino acid change in the encoded protein sequence. Five of five in-silico tools predict a damaging effect of the variant on protein function. The variant allele was found at a frequency of 8e-06 in 250976 control chromosomes. c.419T>C has been reported in the literature in compound heterozygous individuals affected with Trimethylaminuria (e.g. Bouchemal_2019, Dionisio_2020). These data indicate that the variant may be associated with disease. At least one publication reports experimental evidence evaluating an impact on protein function. The most pronounced variant effect results in 10%-<30% of normal enzyme activity in vitro (e.g. Dionisio_2020). No submitters have cited clinical-significance assessments for this variant to ClinVar. Based on the evidence outlined above, the variant was classified as likely pathogenic.

Literature cited by the submitters: PubMed 31533761; PubMed 32653296.

NM_001002294.3(FMO3):c.419T>C (p.Phe140Ser)

Genes: FMO3 (flavin containing dimethylaniline monoxygenase 3; plus strand), LOC126805916 (BRD4-independent group 4 enhancer GRCh37_chr1:171076844-171078043; plus strand). Cytogenetic location: 1q24.3.
Variant type: single nucleotide variant.
Coding change: c.419T>C on transcript NM_001002294.3 (MANE Select); coding-DNA position 419, T replaced by C.
Protein change: p.Phe140Ser; replaces phenylalanine 140 with serine.
Molecular consequence: missense variant.
Genome position (GRCh38, 1-based): chr1:171,107,772, T>C. VCF-style: chr1-171107772-T-C. GRCh37 (hg19) VCF-style: chr1-171076913-T-C.
Other names: c.359T>C, p.Phe120Ser (NM_001319173.2); c.230T>C, p.Phe77Ser (NM_001319174.2); c.419T>C, p.Phe140Ser (NM_006894.6); short protein forms F120S, F140S, F77S.
Identifiers: ClinVar variation 3366396 (VCV003366396.1).